The following is an entry in ClinVar:

NM_001387430.1(SH2B1):c.1134-3C>T

Gene: SH2B1 (SH2B adaptor protein 1; plus strand). Cytogenetic location: 16p11.2.
Variant type: single nucleotide variant.
Coding change: c.1134-3C>T on transcript NM_001387430.1 (MANE Select); 3 bases into the intron before coding-DNA position 1134, C replaced by T.
Molecular consequence: intron variant.
Genome position (GRCh38, 1-based): chr16:28,869,205, C>T. VCF-style: chr16-28869205-C-T. GRCh37 (hg19) VCF-style: chr16-28880526-C-T.
Other names: c.1134-3C>T (NM_001308293.2, NM_001387404.1, NM_015503.3 and 4 more transcripts); c.126-3C>T (NM_001308294.2).
Identifiers: ClinVar variation 3358555 (VCV003358555.1).

ClinVar aggregate classification (germline): Likely benign (0 of 4 stars; one submission).

Conditions:
SH2B1-related disorder. Also called: SH2B1-related condition.

Submission:

PreventionGenetics, part of Exact Sciences
Classification: Likely benign for SH2B1-related condition. Last evaluated: 2021-01-08. Review status: no assertion criteria provided. Collection method: clinical testing. Allele origin: germline.
Comment: This variant is classified as likely benign based on ACMG/AMP sequence variant interpretation guidelines (Richards et al. 2015 PMID: 25741868, with internal and published modifications).